The following is an entry in ClinVar:

ClinVar aggregate classification (germline): Uncertain significance. Review status: criteria provided, multiple submitters, no conflicts (2 of 4 stars). 2 submissions from 2 submitters: Uncertain significance (2). Last evaluated 2024-06-25.

Conditions:
Intellectual disability-facial dysmorphism syndrome due to SETD5 haploinsufficiency (MRD23). Also called: Intellectual developmental disorder, autosomal dominant 23. Identifiers: Orphanet 404440, MedGen C3810406, MONDO:0014336, OMIM 615761.

Allele frequency attached by ClinVar (database versions not stated): gnomAD 0.00001; TOPMed 0.00001.
gnomAD v4.1: 20 of 1,613,868 alleles (0.0012%); highest among the groups gnomAD compares: Non-Finnish European, 0.0015%; no homozygotes.

Submissions (2):

Pittsburgh Clinical Genomics Laboratory, University of Pittsburgh Medical Center
Classification: Uncertain significance for Intellectual disability-facial dysmorphism syndrome due to SETD5 haploinsufficiency. Last evaluated: 2024-06-25. Review status: criteria provided, single submitter. Criteria: ACMG Guidelines, 2015. Collection method: clinical testing. Allele origin: germline. Inheritance: Autosomal dominant inheritance. Affected: yes.
Comment: This sequence variant is a single nucleotide substitution (G>A) at position 3305 of the coding sequence of the SETD5 gene that results in a glycine to aspartic acid amino acid change at residue 1102 of the SET domain containing 5 protein. This is a previously reported variant (ClinVar 1931231) that has not been observed in individuals affected by a SETD5-related disorder in the published literature, to our knowledge. This variant is present in 20 of 1613868 alleles (0.0012%) in the gnomAD v4.1.0 population dataset. Bioinformatic tools are inconclusive if this amino acid change will be damaging or tolerated, and the Gly1102 residue at this position is highly conserved across the vertebrate species examined. Studies examining the functional consequence of this variant have not been published, to our knowledge. At this time, there is insufficient evidence to determine if this variant is pathogenic or benign. Therefore, we consider this a variant of uncertain significance. ACMG Criteria: BP1, PM2

Labcorp Genetics (formerly Invitae), Labcorp
Classification: Uncertain significance. Last evaluated: 2024-05-29. Review status: criteria provided, single submitter. Criteria: Invitae Variant Classification Sherloc (09022015). Collection method: clinical testing. Allele origin: germline.
Comment: This sequence change replaces glycine, which is neutral and non-polar, with aspartic acid, which is acidic and polar, at codon 1102 of the SETD5 protein (p.Gly1102Asp). This variant is present in population databases (rs763111545, gnomAD 0.003%). This variant has not been reported in the literature in individuals affected with SETD5-related conditions. ClinVar contains an entry for this variant (Variation ID: 1931231). Advanced modeling of protein sequence and biophysical properties (such as structural, functional, and spatial information, amino acid conservation, physicochemical variation, residue mobility, and thermodynamic stability) performed at Invitae indicates that this missense variant is not expected to disrupt SETD5 protein function with a negative predictive value of 80%. In summary, the available evidence is currently insufficient to determine the role of this variant in disease. Therefore, it has been classified as a Variant of Uncertain Significance.

NM_001080517.3(SETD5):c.3305G>A (p.Gly1102Asp)

Gene: SETD5 (SET domain containing 5; plus strand). Cytogenetic location: 3p25.3.
Variant type: single nucleotide variant.
Coding change: c.3305G>A on transcript NM_001080517.3 (MANE Select); coding-DNA position 3305, G replaced by A.
Protein change: p.Gly1102Asp; replaces glycine 1102 with aspartic acid.
Molecular consequence: missense variant.
Genome position (GRCh38, 1-based): chr3:9,473,345, G>A. VCF-style: chr3-9473345-G-A. GRCh37 (hg19) VCF-style: chr3-9515029-G-A.
Other names: c.3011G>A, p.Gly1004Asp (NM_001292043.2, NM_001349451.2); short protein forms G1102D, G1004D.
Identifiers: ClinVar variation 1931231 (VCV001931231.6), dbSNP rs763111545, ClinGen allele CA2239656.